The following is an entry in ClinVar:

NM_020708.5(SLC12A5):c.1583G>A (p.Gly528Asp)

Gene: SLC12A5 (solute carrier family 12 member 5; plus strand). Cytogenetic location: 20q13.12.
Variant type: single nucleotide variant.
Coding change: c.1583G>A on transcript NM_020708.5 (MANE Select); coding-DNA position 1583, G replaced by A.
Protein change: p.Gly528Asp; replaces glycine 528 with aspartic acid.
Molecular consequence: missense variant.
Genome position (GRCh38, 1-based): chr20:46,045,891, G>A. VCF-style: chr20-46045891-G-A. GRCh37 (hg19) VCF-style: chr20-44674530-G-A.
Other names: c.1652G>A, p.Gly551Asp (NM_001134771.2); short protein forms G551D, G528D.
Identifiers: ClinVar variation 217905 (VCV000217905.9), dbSNP rs863225305, ClinGen allele CA279674.

ClinVar aggregate classification (germline): Likely pathogenic. Review status: criteria provided, multiple submitters, no conflicts (2 of 4 stars). 4 submissions from 4 submitters: Likely pathogenic (2). 2 of the submissions do not count toward it. Last evaluated 2024-03-01.

Conditions:
Developmental and epileptic encephalopathy, 34 (DEE34). Also called: SLC12A5-Related Epilepsy of Infancy with Migrating Focal Seizures; Early infantile epileptic encephalopathy 34. Identifiers: Orphanet 293181, MedGen C4225257, MONDO:0014718, OMIM 616645.

Submissions (4):

Centre for Inherited Metabolic Diseases, Karolinska University Hospital
Classification: Likely pathogenic for Developmental and epileptic encephalopathy, 34. Last evaluated: 2024-03-01. Review status: criteria provided, single submitter. Criteria: ACMG Guidelines, 2015. Collection method: clinical testing. Allele origin: inherited. Inheritance: Autosomal recessive inheritance. Affected: yes. Observed: 1 compound heterozygote.

Labcorp Genetics (formerly Invitae), Labcorp
Classification: Likely pathogenic for Developmental and epileptic encephalopathy, 34. Last evaluated: 2021-10-22. Review status: criteria provided, single submitter. Criteria: Invitae Variant Classification Sherloc (09022015). Collection method: clinical testing. Allele origin: germline.
Comment: In summary, the currently available evidence indicates that the variant is pathogenic, but additional data are needed to prove that conclusively. Therefore, this variant has been classified as Likely Pathogenic. Experimental studies have shown that this missense change affects SLC12A5 function (PMID: 26333769). Advanced modeling of protein sequence and biophysical properties (such as structural, functional, and spatial information, amino acid conservation, physicochemical variation, residue mobility, and thermodynamic stability) performed at Invitae indicates that this missense variant is expected to disrupt SLC12A5 protein function. ClinVar contains an entry for this variant (Variation ID: 217905). This variant is also known as G551D. This missense change has been observed in individual(s) with SLC12A5-related conditions (PMID: 26333769). It has also been observed to segregate with disease in related individuals. This variant is not present in population databases (ExAC no frequency). This sequence change replaces glycine with aspartic acid at codon 528 of the SLC12A5 protein (p.Gly528Asp). The glycine residue is moderately conserved and there is a moderate physicochemical difference between glycine and aspartic acid.

OMIM
Classification: Pathogenic for DEVELOPMENTAL AND EPILEPTIC ENCEPHALOPATHY 34. Last evaluated: 2015-09-03. Review status: no assertion criteria provided. Collection method: literature only. Allele origin: germline. Not counted in ClinVar's aggregate classification.

GeneReviews
No classification provided. Condition: Developmental and epileptic encephalopathy, 34. Review status: no classification provided. Collection method: literature only. Allele origin: germline. Not counted in ClinVar's aggregate classification.

Literature cited by the submitters: PubMed 26333769 (cited by Labcorp Genetics (formerly Invitae), Labcorp and OMIM); NCBI Bookshelf NBK537476 (cited by GeneReviews); PubMed 30763027 (cited by GeneReviews).